The following is an entry in ClinVar:

NC_000002.12:g.121530953A>G

Genes: RNU4ATAC (RNA, U4atac small nuclear; plus strand), CLASP1 (cytoplasmic linker associated protein 1; minus strand), CLASP1-AS1 (CLASP1 antisense RNA 1; plus strand). Cytogenetic location: 2q14.2.
Variant type: single nucleotide variant.
Molecular consequence: intron variant (on NM_001395891.1).
Genome position: GRCh38 VCF-style: chr2-121530953-A-G. GRCh37 (hg19) VCF-style: chr2-122288529-A-G.
Other names: c.196-628T>C (NM_001142274.2, NM_015282.3, NM_001378003.1 and 5 more transcripts).
Identifiers: ClinVar variation 1473658 (VCV001473658.3), dbSNP rs777507405, ClinGen allele CA54810921.

ClinVar aggregate classification (germline): Uncertain significance (1 of 4 stars; one submission).

Allele frequency attached by ClinVar (database versions not stated): gnomAD exomes 0.00003 and 0.00005; 1000 Genomes Project 30x 0.00016.
gnomAD v4.1: 20 of 700,434 alleles (0.0029%); highest among the groups gnomAD compares: Admixed American, 0.012%; no homozygotes.

Submission:

Labcorp Genetics (formerly Invitae), Labcorp
Classification: Uncertain significance. Last evaluated: 2021-08-16. Review status: criteria provided, single submitter. Criteria: Invitae Variant Classification Sherloc (09022015). Collection method: clinical testing. Allele origin: germline.
Comment: This variant occurs in the RNU4ATAC gene, which encodes an RNA molecule that does not result in a protein product. The frequency data for this variant in the population databases is considered unreliable, as metrics indicate insufficient coverage at this position in the ExAC database. This variant has not been reported in the literature in individuals affected with RNU4ATAC-related conditions. Experimental studies and prediction algorithms are not available or were not evaluated, and the functional significance of this variant is currently unknown. In summary, the available evidence is currently insufficient to determine the role of this variant in disease. Therefore, it has been classified as a Variant of Uncertain Significance.